The following is an entry in ClinVar:

NM_001854.4(COL11A1):c.1745C>T (p.Pro582Leu)

Gene: COL11A1 (collagen type XI alpha 1 chain; minus strand). Cytogenetic location: 1p21.1.
Variant type: single nucleotide variant.
Coding change: c.1745C>T on transcript NM_001854.4 (MANE Select); coding-DNA position 1745, C replaced by T.
Protein change: p.Pro582Leu; replaces proline 582 with leucine.
Molecular consequence: missense variant. On other transcripts: non-coding transcript variant (1).
Genome position (GRCh38, 1-based): chr1:103,006,114, G>A on the plus strand (C>T on the coding strand, the complement: COL11A1 is on the minus strand). VCF-style: chr1-103006114-G-A. GRCh37 (hg19) VCF-style: chr1-103471670-G-A.
Other names: c.1397C>T, p.Pro466Leu (NM_001168249.1, NM_080630.4); c.1628C>T, p.Pro543Leu (NM_001190709.2); c.1781C>T, p.Pro594Leu (NM_080629.3); short protein forms P466L, P543L, P582L, P594L.
Identifiers: ClinVar variation 2497828 (VCV002497828.1), dbSNP rs2525405549, ClinGen allele CA341174045.

ClinVar aggregate classification (germline): Uncertain significance (1 of 4 stars; one submission).

Submission:

GeneDx
Classification: Uncertain significance. Last evaluated: 2022-10-04. Review status: criteria provided, single submitter. Criteria: GeneDx Variant Classification Process June 2021. Collection method: clinical testing. Allele origin: germline. Affected: yes.
Comment: Not observed at significant frequency in large population cohorts (gnomAD); In silico analysis supports that this missense variant has a deleterious effect on protein structure/function; Has not been previously published as pathogenic or benign to our knowledge